The following is an entry in ClinVar:

ClinVar aggregate classification (germline): Uncertain significance (1 of 4 stars; one submission).

Conditions:
Colobomatous microphthalmia-rhizomelic dysplasia syndrome (MCSKS). Also called: Microphthalmia/coloboma and skeletal dysplasia syndrome. Identifiers: Orphanet 424099, MedGen C4014540, MONDO:0014380, OMIM 615877.

Submission:

Victorian Clinical Genetics Services, Murdoch Childrens Research Institute
Classification: Uncertain significance for Colobomatous microphthalmia-rhizomelic dysplasia syndrome. Last evaluated: 2025-04-24. Review status: criteria provided, single submitter. Criteria: ACMG Guidelines, 2015. Collection method: clinical testing. Allele origin: germline. Affected: yes.
Comment: This variant is classified as VUS-3A. Evidence in support of pathogenic classification: Variant is predicted to result in a truncated protein (premature termination codon is NOT located at least 54 nucleotides upstream of the final exon-exon junction) with at least 1/3 of the protein sequence affected; Variant is absent from gnomAD (v2, v3 and v4); Other protein truncating variant(s) comparable to the one identified in this case have moderate previous evidence for pathogenicity. p.(Ser294*) has been classified as pathogenic by a clinical laboratory in ClinVar, and reported in the literature in a heterozygous individual from a cohort of patients with congenital/syndromic abnormalities (PMID: 34008892). In addition, p.(Tyr280*) has been reported in the literature in an individual with non-syndromic microphthalmia (PMID: 29450879). Additional information: This variant is heterozygous; This gene is associated with autosomal dominant disease; This variant has no previous evidence of pathogenicity; No published segregation evidence has been identified for this variant; No published functional evidence has been identified for this variant; This variant is predicted to truncate part of the Mab-21 domain, and result in the complete loss of the downstream Mab-21_C domain (DECIPHER); The mechanism of disease for this gene is not clearly established.

Literature cited by the submitters: PubMed 34008892; PubMed 29450879.

NM_006439.5(MAB21L2):c.697del (p.Gln233fs)

Genes: LRBA (LPS responsive beige-like anchor protein; minus strand), MAB21L2 (mab-21 like 2; plus strand). Cytogenetic location: 4q31.3.
Variant type: Deletion.
Coding change: c.697del on transcript NM_006439.5 (MANE Select); coding-DNA position 697, one base deleted (C; older notation c.697delC).
Protein change: p.Gln233fs; shifts the reading frame from glutamine 233.
Molecular consequence: frameshift variant. On other transcripts: intron variant (6).
Genome position (GRCh38, 1-based): chr4:150,583,726, C deleted. VCF-style (leftmost placement, unchanged base first): chr4-150583725-AC-A. GRCh37 (hg19) VCF-style: chr4-151504877-AC-A.
Other names: c.6330+4322del (NM_001367550.1, NM_001199282.3, NM_001364905.1 and 1 more transcripts); c.6363+4322del (NM_006726.5, NM_001440430.1); short protein forms Q233fs.
Identifiers: ClinVar variation 4531932 (VCV004531932.1).
Genomic context (GRCh38, chr4:150,583,725, plus strand): 5'-GAAGGAGTGCTACTCGCTGACCGGCAAGCAGAGCTCGGCAGAGAGCGACGCCTGGGTGCT[AC>A]AGTTCGGGGAGGCGGAGAACCGCCTGCTGATGGGCGGCTGCCGAAACAAGTGCCTCTCAG-3'